The following is an entry in ClinVar:

ClinVar aggregate classification (germline): Likely pathogenic (1 of 4 stars; one submission).

Conditions:
MYH7-related skeletal myopathy. Also called: MYOPATHY, DISTAL, EARLY-ONSET, AUTOSOMAL DOMINANT; MYOPATHY, LATE DISTAL HEREDITARY; Myopathy, distal, 1; Laing distal myopathy; Laing early-onset distal myopathy. Identifiers: Orphanet 59135, MedGen C4552004, MONDO:0008050, OMIM 160500.

Submission:

Center for Human Genetics and Genomic Medicine, Uniklinik Rwth Aachen
Classification: Likely pathogenic for MYH7-related skeletal myopathy. Last evaluated: 2024-07-24. Review status: criteria provided, single submitter. Criteria: ACMG Guidelines, 2015. Collection method: clinical testing. Allele origin: maternal. Inheritance: Autosomal dominant inheritance. Affected: yes. Observed: 1 heterozygote.
Comment: The detected variant is not present in databases nor has it been reported in the literature. It segregated with the phenotype in all affected members of a family with distal myopathy. It is located in exon 35 of MYH7, a hotspot for pathogenic variants associated with Laing myopathy. In this domain many amino acid exchanges to proline are regarded as pathogenic. We classified the variant as likely pathogenic (PM1, PM2, PP1, PP3).

NM_000257.4(MYH7):c.5042T>C (p.Leu1681Pro)

Genes: MHRT (myosin heavy chain associated RNA transcript; plus strand), MYH7 (myosin heavy chain 7; minus strand), LOC126861897 (BRD4-independent group 4 enhancer GRCh37_chr14:23884455-23885654; plus strand). Cytogenetic location: 14q11.2.
Variant type: single nucleotide variant.
Coding change: c.5042T>C on transcript NM_000257.4 (MANE Select); coding-DNA position 5042, T replaced by C.
Protein change: p.Leu1681Pro; replaces leucine 1681 with proline.
Molecular consequence: missense variant. On other transcripts: non-coding transcript variant (1).
Genome position (GRCh38, 1-based): chr14:23,415,744, A>G on the plus strand (T>C on the coding strand, the complement: MYH7 is on the minus strand). VCF-style: chr14-23415744-A-G. GRCh37 (hg19) VCF-style: chr14-23884953-A-G.
Other names: c.5042T>C, p.Leu1681Pro (NM_001407004.1); short protein forms L1681P.
Identifiers: ClinVar variation 3336837 (VCV003336837.2).
Genomic context (GRCh38, chr14:23,415,744, plus strand): 5'-AGCTTCCGGGACCGCTCTGTCTGCTCCACCACGGCACGCAACTCCTCCAGCTCAGCCTGC[A>G]GCAGGTTGTTGCGCCGCTCCACGATGGCGATGTTCTCCTTCAGGTCGTCGTTGGCACGGA-3'
Protein context (NP_000248.2, residues 1671-1691): IAIVERRNNL[Leu1681Pro]QAELEELRAV